The following is an entry in ClinVar:

ClinVar aggregate classification (germline): Conflicting classifications of pathogenicity. Review status: criteria provided, conflicting classifications (1 of 4 stars). 3 submissions from 3 submitters: Uncertain significance (2); Likely benign (1). Last evaluated 2024-07-29.

Conditions:
RYR1-related disorder. Also called: RYR1-related disorders; RYR1-related condition. Identifiers: MedGen CN239331.
Malignant hyperthermia, susceptibility to, 1 (MHS1). Also called: RYR1-Related Malignant Hyperthermia Susceptibility; Malignant hyperthermia suceptibility 1; Anesthesia related hyperthermia; Malignant hyperpyrexia; Fulminating hyperpyrexia; Pharmacogenic myopathy. Identifiers: Orphanet 423, MedGen C2930980, MONDO:0007783, OMIM 145600.

Allele frequency attached by ClinVar (database versions not stated): gnomAD exomes below 0.00001; TOPMed below 0.00001; gnomAD 0.00001.
gnomAD v4.1: 4 of 1,612,724 alleles (0.00025%); highest among the groups gnomAD compares: Non-Finnish European, 0.00025%; no homozygotes.

Submissions (3):

All of Us Research Program, National Institutes of Health
Classification: Uncertain significance for Malignant hyperthermia, susceptibility to, 1. Last evaluated: 2024-07-29. Review status: criteria provided, single submitter. Criteria: ACMG Guidelines, 2015. Collection method: clinical testing. Allele origin: germline. Inheritance: Autosomal dominant inheritance. Observed: 1 variant allele, 1 heterozygote.
Comment: This variant is located in the RYR1 protein. To our knowledge, functional studies have not been reported for this variant. This variant has not been reported in individuals affected with RYR1-related disorders in the literature. This variant has not been identified in the general population by the Genome Aggregation Database (gnomAD). The available evidence is insufficient to determine the role of this variant in disease conclusively. Therefore, this variant is classified as a Variant of Uncertain Significance.

This study involves interpretation of variants in research participants for the purpose of population health screening. Participant phenotype was not available at the time of variant classification. Additional details can be found in publication PMID: 35346344, PMCID: PMC8962531

Color Diagnostics, LLC DBA Color Health
Classification: Uncertain significance for Malignant hyperthermia, susceptibility to, 1. Last evaluated: 2024-07-16. Review status: criteria provided, single submitter. Criteria: ACMG Guidelines, 2015. Collection method: clinical testing. Allele origin: germline.
Comment: This variant is located in the RYR1 protein. To our knowledge, functional studies have not been reported for this variant. This variant has not been reported in individuals affected with RYR1-related disorders in the literature. This variant has not been identified in the general population by the Genome Aggregation Database (gnomAD). The available evidence is insufficient to determine the role of this variant in disease conclusively. Therefore, this variant is classified as a Variant of Uncertain Significance.

Labcorp Genetics (formerly Invitae), Labcorp
Classification: Likely benign for RYR1-related disorder. Last evaluated: 2023-02-24. Review status: criteria provided, single submitter. Criteria: Invitae Variant Classification Sherloc (09022015). Collection method: clinical testing. Allele origin: germline.

NM_000540.3(RYR1):c.1317C>T (p.Gly439=)

Gene: RYR1 (ryanodine receptor 1; plus strand). Cytogenetic location: 19q13.2.
Variant type: single nucleotide variant.
Coding change: c.1317C>T on transcript NM_000540.3 (MANE Select); coding-DNA position 1317, C replaced by T.
Protein change: p.Gly439=; no amino-acid change (glycine 439 retained).
Molecular consequence: synonymous variant.
Genome position (GRCh38, 1-based): chr19:38,452,891, C>T. VCF-style: chr19-38452891-C-T. GRCh37 (hg19) VCF-style: chr19-38943531-C-T.
Other names: c.1317C>T, p.Gly439= (NM_001042723.2).
Identifiers: ClinVar variation 1102469 (VCV001102469.10), dbSNP rs1230243590, ClinGen allele CA507242589.